The following is an entry in ClinVar:

NM_014669.5(NUP93):c.999C>T (p.Ala333=)

Gene: NUP93 (nucleoporin 93; plus strand). Cytogenetic location: 16q13.
Variant type: single nucleotide variant.
Coding change: c.999C>T on transcript NM_014669.5 (MANE Select); coding-DNA position 999, C replaced by T.
Protein change: p.Ala333=; no amino-acid change (alanine 333 retained).
Molecular consequence: synonymous variant.
Genome position (GRCh38, 1-based): chr16:56,830,599, C>T. VCF-style: chr16-56830599-C-T. GRCh37 (hg19) VCF-style: chr16-56864511-C-T.
Other names: p.Ala333=; c.999C>T (NM_014669.4); c.630C>T, p.Ala210= (NM_001242795.2, NM_001242796.2).
Identifiers: ClinVar variation 1599533 (VCV001599533.20), dbSNP rs188243427, ClinGen allele CA8068294.

ClinVar aggregate classification (germline): Benign/Likely benign. Review status: criteria provided, multiple submitters, no conflicts (2 of 4 stars). 5 submissions from 5 submitters: Benign (2); Likely benign (2). 1 of the submissions does not count toward it. Last evaluated 2025-12-27.

Conditions:
NUP93-related disorder. Also called: NUP93-related condition.

Allele frequency attached by ClinVar (database versions not stated): 1000 Genomes Project 0.00020; 1000 Genomes Project 30x 0.00062.
gnomAD v4.1: 292 of 1,610,994 alleles (0.018%); highest among the groups gnomAD compares: Admixed American, 0.43%; 3 homozygotes.

Submissions (5):

Labcorp Genetics (formerly Invitae), Labcorp
Classification: Benign. Last evaluated: 2025-12-27. Review status: criteria provided, single submitter. Criteria: Invitae Variant Classification Sherloc (09022015). Collection method: clinical testing. Allele origin: germline.

Mayo Clinic Laboratories, Mayo Clinic
Classification: Likely benign. Last evaluated: 2025-08-14. Review status: criteria provided, single submitter. Criteria: ACMG Guidelines, 2015. Collection method: clinical testing. Allele origin: germline. Observed: 1 variant allele.
Comment: BS1, BP4, BP7

CeGaT Center for Human Genetics Tuebingen
Classification: Likely benign. Last evaluated: 2025-07-01. Review status: criteria provided, single submitter. Criteria: CeGaT Center For Human Genetics Tuebingen Variant Classification Criteria Version 2. Collection method: clinical testing. Allele origin: germline. Affected: yes. Observed: 1 variant allele.
Comment: NUP93: BP4, BP7

Breakthrough Genomics
Classification: Benign. Review status: criteria provided, single submitter. Criteria: ACMG Guidelines, 2015. Collection method: not provided. Allele origin: germline. Inheritance: Autosomal recessive inheritance. Affected: yes.

PreventionGenetics, part of Exact Sciences
Classification: Likely benign for NUP93-related condition. Last evaluated: 2021-12-29. Review status: no assertion criteria provided. Collection method: clinical testing. Allele origin: germline. Not counted in ClinVar's aggregate classification.
Comment: This variant is classified as likely benign based on ACMG/AMP sequence variant interpretation guidelines (Richards et al. 2015 PMID: 25741868, with internal and published modifications).